The following is an entry in ClinVar:

NM_005677.4(COLQ):c.1299-1G>T

Gene: COLQ (collagen like tail subunit of asymmetric acetylcholinesterase; minus strand). Cytogenetic location: 3p25.1.
Variant type: single nucleotide variant.
Coding change: c.1299-1G>T on transcript NM_005677.4 (MANE Select); the canonical splice acceptor site of the intron before coding-DNA position 1299, G replaced by T.
Molecular consequence: splice acceptor variant.
Genome position (GRCh38, 1-based): chr3:15,451,714, C>A on the plus strand (G>T on the coding strand, the complement: COLQ is on the minus strand). VCF-style: chr3-15451714-C-A. GRCh37 (hg19) VCF-style: chr3-15493221-C-A.
Other names: c.1197-1G>T (NM_080539.4); c.1269-1G>T (NM_080538.2).
Identifiers: ClinVar variation 4993744 (VCV004993744.1).

ClinVar aggregate classification (germline): Likely pathogenic (1 of 4 stars; one submission).

Conditions:
COLQ-related disorder. Also called: COLQ-related condition.

Submission:

PreventionGenetics, part of Exact Sciences
Classification: Likely pathogenic for COLQ-related condition. Last evaluated: 2026-08-19. Review status: criteria provided, single submitter. Criteria: ACMG Guidelines, 2015. Collection method: clinical testing. Allele origin: germline.
Comment: The COLQ c.1299-1G>T variant is predicted to disrupt the AG splice acceptor site and interfere with normal splicing. To our knowledge, this variant has not been reported in the literature or in a large population database (gnomAD), indicating this variant is rare. Variants that disrupt the consensus splice acceptor site in COLQ are expected to be pathogenic. This variant is interpreted as likely pathogenic.